The following is an entry in ClinVar:

NM_182948.4(PRKACB):c.783+1293AT[10]

Gene: PRKACB (protein kinase cAMP-activated catalytic subunit beta; plus strand). Cytogenetic location: 1p31.1.
Variant type: Microsatellite.
Coding change: c.783+1293AT[10] on transcript NM_182948.4 (MANE Select); ten copies in a row of the 2-base unit AT starting at c.783+1293.
Molecular consequence: intron variant.
Genome position: GRCh38 VCF-style: chr1-84199116-C-CATAT. GRCh37 (hg19) VCF-style: chr1-84664799-C-CATAT.
Other names: c.642+1293AT[10] (NM_002731.4, NM_001375576.1, NM_207578.3); c.783+1293AT[10] (NM_001300916.2); c.663+1293AT[10] (NM_001242857.3, NM_001375581.1, NM_001375569.1); c.654+1293AT[10] (NM_001242859.3, NM_001375572.1); c.639+1293AT[10] (NM_001375562.1); c.630+1293AT[10] (NM_001375563.1); c.606+1293AT[10] (NM_001242858.3, NM_001375578.1, NM_001300917.2); c.660+1293AT[10] (NM_001242860.3, NM_001300915.2, NM_001375571.1); and 5 more.
Identifiers: ClinVar variation 4281240 (VCV004281240.7).

ClinVar aggregate classification (germline): Likely benign (1 of 4 stars; one submission).

Submission:

CeGaT Center for Human Genetics Tuebingen
Classification: Likely benign. Last evaluated: 2026-07-01. Review status: criteria provided, single submitter. Criteria: CeGaT Center For Human Genetics Tuebingen Variant Classification Criteria Version 2. Collection method: clinical testing. Allele origin: germline. Affected: yes. Observed: 6 variant alleles.
Comment: PRKACB: BS1